The following is an entry in ClinVar:

ClinVar aggregate classification (germline): Conflicting classifications of pathogenicity. Review status: criteria provided, conflicting classifications (1 of 4 stars). 17 submissions from 13 submitters: Uncertain significance (3); Benign (9); Likely benign (3). 2 of the submissions do not count toward it. Last evaluated 2026-01-28.

Conditions:
Cardiovascular phenotype. Identifiers: MedGen CN230736.
Dilated cardiomyopathy 1G (CMD1G). Identifiers: Orphanet 154, MedGen C1858763, MONDO:0011400, OMIM 604145.
Autosomal recessive limb-girdle muscular dystrophy type 2J (LGMDR10). Also called: Limb-girdle muscular dystrophy, type 2J; MUSCULAR DYSTROPHY, LIMB-GIRDLE, AUTOSOMAL RECESSIVE 10. Identifiers: Orphanet 140922, MedGen C1837342, MONDO:0012127, OMIM 608807.
Cardiomyopathy (CMYO). Also called: Cardiomyopathies. Identifiers: Orphanet 167848, MedGen C0878544, MONDO:0004994, HP:0001638. Inheritance: Various modes of inheritance.
Early-onset myopathy with fatal cardiomyopathy (CMYO5). Also called: Salih Myopathy; CONGENITAL MYOPATHY 5 WITH CARDIOMYOPATHY. Identifiers: Orphanet 289377, MedGen C2673677, MONDO:0012714, OMIM 611705. Disease mechanism: loss of function.
Myopathy, myofibrillar, 9, with early respiratory failure (MFM9). Also called: Hereditary myopathy with early respiratory failure; Myopathy, distal, with early respiratory failure, autosomal dominant; EDSTROM MYOPATHY; MYOPATHY, PROXIMAL, WITH EARLY RESPIRATORY MUSCLE INVOLVEMENT. Identifiers: Orphanet 178464, Orphanet 34521, MedGen C1863599, MONDO:0011362, OMIM 603689.
Tibial muscular dystrophy (TMD). Also called: Udd Distal Myopathy – Tibial Muscular Dystrophy; Tibial muscular dystrophy, tardive; UDD MYOPATHY. Identifiers: Orphanet 609, MedGen C1838244, MONDO:0010870, OMIM 600334.

Allele frequency attached by ClinVar (database versions not stated): gnomAD 0.00010; TOPMed 0.00013; ESP Exome Variant Server 0.00016; 1000 Genomes Project 30x 0.00281; 1000 Genomes Project 0.00319.
gnomAD v4.1: 1,556 of 1,613,048 alleles (0.096%); highest among the groups gnomAD compares: South Asian, 1.3%; 19 homozygotes.

Submissions (17):

Labcorp Genetics (formerly Invitae), Labcorp
Classification: Benign for Dilated cardiomyopathy 1G; Autosomal recessive limb-girdle muscular dystrophy type 2J. Last evaluated: 2026-01-28. Review status: criteria provided, single submitter. Criteria: Invitae Variant Classification Sherloc (09022015). Collection method: clinical testing. Allele origin: germline.

CeGaT Center for Human Genetics Tuebingen
Classification: Benign. Last evaluated: 2023-11-01. Review status: criteria provided, single submitter. Criteria: CeGaT Center For Human Genetics Tuebingen Variant Classification Criteria Version 2. Collection method: clinical testing. Allele origin: germline. Affected: yes. Observed: 3 variant alleles.
Comment: TTN: BS1, BS2

Women's Health and Genetics/Laboratory Corporation of America, LabCorp
Classification: Likely benign. Last evaluated: 2023-08-19. Review status: criteria provided, single submitter. Criteria: LabCorp Variant Classification Summary - May 2015. Collection method: clinical testing. Allele origin: germline.

Ambry Genetics
Classification: Benign for Cardiovascular phenotype. Last evaluated: 2020-09-03. Review status: criteria provided, single submitter. Criteria: Ambry Variant Classification Scheme 2023. Collection method: clinical testing. Allele origin: germline.

Athena Diagnostics
Classification: Benign. Last evaluated: 2019-09-25. Review status: criteria provided, single submitter. Criteria: Athena Diagnostics Criteria. Collection method: clinical testing. Allele origin: unknown.

GeneDx
Classification: Benign. Last evaluated: 2018-01-15. Review status: criteria provided, single submitter. Criteria: GeneDx Variant Classification (06012015). Collection method: clinical testing. Allele origin: germline. Affected: yes.
Comment: This variant is considered likely benign or benign based on one or more of the following criteria: it is a conservative change, it occurs at a poorly conserved position in the protein, it is predicted to be benign by multiple in silico algorithms, and/or has population frequency not consistent with disease.

CHEO Genetics Diagnostic Laboratory, Children's Hospital of Eastern Ontario
Classification: Benign for Cardiomyopathy. Last evaluated: 2017-11-02. Review status: criteria provided, single submitter. Criteria: ACMG Guidelines, 2015. Collection method: clinical testing. Allele origin: germline.

Illumina Laboratory Services, Illumina
Classification: Benign for Myopathy, myofibrillar, 9, with early respiratory failure. Last evaluated: 2017-08-18. Review status: criteria provided, single submitter. Criteria: ICSL Variant Classification Criteria 13 December 2019. Collection method: clinical testing. Allele origin: germline.
Comment: This variant was observed as part of a predisposition screen in an ostensibly healthy population. A literature search was performed for the gene, cDNA change, and amino acid change (where applicable). No publications were found based on this search. Allele frequency data from public databases was too high to be consistent with this variant causing disease. Therefore, this variant is classified as benign.

Illumina Laboratory Services, Illumina
Classification: Likely benign for Dilated cardiomyopathy 1G. Last evaluated: 2017-08-18. Review status: criteria provided, single submitter. Criteria: ICSL Variant Classification Criteria 13 December 2019. Collection method: clinical testing. Allele origin: germline.
Comment: This variant was observed as part of a predisposition screen in an ostensibly healthy population. A literature search was performed for the gene, cDNA change, and amino acid change (where applicable). No publications were found based on this search. Allele frequency data from public databases allowed determination this variant is unlikely to cause disease. Therefore, this variant is classified as likely benign.

Illumina Laboratory Services, Illumina
Classification: Benign for Tibial muscular dystrophy. Last evaluated: 2017-08-18. Review status: criteria provided, single submitter. Criteria: ICSL Variant Classification Criteria 13 December 2019. Collection method: clinical testing. Allele origin: germline.
Comment: the same text as in the submission from Illumina Laboratory Services, Illumina above.

Illumina Laboratory Services, Illumina
Classification: Uncertain significance for Early-onset myopathy with fatal cardiomyopathy. Last evaluated: 2017-04-27. Review status: criteria provided, single submitter. Criteria: ICSL Variant Classification Criteria 13 December 2019. Collection method: clinical testing. Allele origin: germline.

Illumina Laboratory Services, Illumina
Classification: Uncertain significance for Autosomal recessive limb-girdle muscular dystrophy type 2J. Last evaluated: 2017-04-27. Review status: criteria provided, single submitter. Criteria: ICSL Variant Classification Criteria 13 December 2019. Collection method: clinical testing. Allele origin: germline.

Genetic Services Laboratory, University of Chicago
Classification: Likely benign. Last evaluated: 2015-04-04. Review status: criteria provided, single submitter. Criteria: ACMG Guidelines, 2015. Collection method: clinical testing. Allele origin: germline.

Laboratory for Molecular Medicine, Mass General Brigham Personalized Medicine
Classification: Benign. Last evaluated: 2014-11-20. Review status: criteria provided, single submitter. Criteria: LMM Criteria. Collection method: clinical testing. Allele origin: germline. Observed: 7 variant alleles.
Comment: p.Arg18738His in exon 256 of TTN: This variant is not expected to have clinical significance because it has been identified in 1.4% (229/16568) of South Asian c hromosomes by the Exome Aggregation Consortium (ExAC .org; dbSNP rs202240487).

Biesecker Lab/Clinical Genomics Section, National Institutes of Health
Classification: Uncertain significance. Last evaluated: 2013-06-24. Review status: criteria provided, single submitter. Criteria: Ng et al. (Circ Cardiovasc Genet. 2013). Collection method: research. Allele origin: unknown. Observed: 1 variant allele. Study: ClinSeq.
Comment: The study set was not selected for affection status in relation to any cancer. Pathogenicity categories were based on literature curation. See Pubmed ID:23861362 for details.

Medical sequencing

Clinical Genetics DNA and cytogenetics Diagnostics Lab, Erasmus MC, Erasmus Medical Center
Classification: Likely benign. Review status: no assertion criteria provided. Collection method: clinical testing. Allele origin: germline. Affected: yes. Study: VKGL Data-share Consensus. Not counted in ClinVar's aggregate classification.

Clinical Genetics, Academic Medical Center
Classification: Benign. Review status: no assertion criteria provided. Collection method: clinical testing. Allele origin: germline. Affected: yes. Study: VKGL Data-share Consensus. Not counted in ClinVar's aggregate classification.

NM_001267550.2(TTN):c.63917G>A (p.Arg21306His)

Genes: TTN-AS1 (TTN antisense RNA 1; plus strand), TTN (titin; minus strand). Cytogenetic location: 2q31.2.
Variant type: single nucleotide variant.
Coding change: c.63917G>A on transcript NM_001267550.2 (MANE Select); coding-DNA position 63917, G replaced by A.
Protein change: p.Arg21306His; replaces arginine 21306 with histidine.
Molecular consequence: missense variant.
Genome position (GRCh38, 1-based): chr2:178,587,294, C>T on the plus strand (G>A on the coding strand, the complement: TTN is on the minus strand). VCF-style: chr2-178587294-C-T. GRCh37 (hg19) VCF-style: chr2-179452021-C-T.
Other names: p.R19665H:CGT>CAT; c.58994G>A, p.Arg19665His (NM_001256850.1); c.56213G>A, p.Arg18738His (NM_133378.4); c.36722G>A, p.Arg12241His (NM_003319.4); c.37097G>A, p.Arg12366His (NM_133432.3); c.37298G>A, p.Arg12433His (NM_133437.4); short protein forms R21306H, R18738H, R19665H, R12366H, R12241H, R12433H.
Identifiers: ClinVar variation 47201 (VCV000047201.57), dbSNP rs202240487, ClinGen allele CA140309.